The following is an entry in ClinVar:

ClinVar aggregate classification (germline): Conflicting classifications of pathogenicity. Review status: criteria provided, conflicting classifications (1 of 4 stars). 2 submissions from 2 submitters: Uncertain significance (1); Likely benign (1). Last evaluated 2025-05-05.

Conditions:
Inborn genetic diseases. Identifiers: MedGen C0950123, MeSH D030342.
Chédiak-Higashi syndrome (CHS). Also called: Chediak-Higashi Syndrome. Identifiers: Orphanet 167, MedGen C0007965, MONDO:0008963, OMIM 214500.

Allele frequency attached by ClinVar (database versions not stated): ExAC 0.00001; gnomAD 0.00002; TOPMed 0.00002.
gnomAD v4.1: 51 of 1,612,584 alleles (0.0032%); highest among the groups gnomAD compares: Admixed American, 0.013%; no homozygotes.

Submissions (2):

Ambry Genetics
Classification: Likely benign for Inborn genetic diseases. Last evaluated: 2025-05-05. Review status: criteria provided, single submitter. Criteria: Ambry Variant Classification Scheme 2023. Collection method: clinical testing. Allele origin: germline.

Labcorp Genetics (formerly Invitae), Labcorp
Classification: Uncertain significance for Chédiak-Higashi syndrome. Last evaluated: 2022-08-21. Review status: criteria provided, single submitter. Criteria: Invitae Variant Classification Sherloc (09022015). Collection method: clinical testing. Allele origin: germline.
Comment: This sequence change replaces threonine, which is neutral and polar, with serine, which is neutral and polar, at codon 3608 of the LYST protein (p.Thr3608Ser). This variant is present in population databases (rs766324119, gnomAD 0.01%). This variant has not been reported in the literature in individuals affected with LYST-related conditions. ClinVar contains an entry for this variant (Variation ID: 1490606). Algorithms developed to predict the effect of missense changes on protein structure and function output the following: SIFT: "Tolerated"; PolyPhen-2: "Benign"; Align-GVGD: "Class C0". The serine amino acid residue is found in multiple mammalian species, which suggests that this missense change does not adversely affect protein function. In summary, the available evidence is currently insufficient to determine the role of this variant in disease. Therefore, it has been classified as a Variant of Uncertain Significance.

NM_000081.4(LYST):c.10823C>G (p.Thr3608Ser)

Gene: LYST (lysosomal trafficking regulator; minus strand). Cytogenetic location: 1q42.3.
Variant type: single nucleotide variant.
Coding change: c.10823C>G on transcript NM_000081.4 (MANE Select); coding-DNA position 10823, C replaced by G.
Protein change: p.Thr3608Ser; replaces threonine 3608 with serine.
Molecular consequence: missense variant.
Genome position (GRCh38, 1-based): chr1:235,677,597, G>C on the plus strand (C>G on the coding strand, the complement: LYST is on the minus strand). VCF-style: chr1-235677597-G-C. GRCh37 (hg19) VCF-style: chr1-235840897-G-C.
Other names: c.10823C>G, p.Thr3608Ser (NM_001301365.1); c.10823C>G (NM_000081.2); short protein forms T3608S.
Identifiers: ClinVar variation 1490606 (VCV001490606.4), dbSNP rs766324119, ClinGen allele CA1465277.